The following is an entry in ClinVar:

ClinVar aggregate classification (germline): Uncertain significance (1 of 4 stars; one submission).

Conditions:
Hypertrophic cardiomyopathy. Also called: HYPERTROPHIC MYOCARDIOPATHY. Identifiers: Orphanet 217569, MedGen C0007194, MeSH D002312, MONDO:0005045, HP:0001639.

Allele frequency attached by ClinVar (database versions not stated): gnomAD exomes 0.00001.
gnomAD v4.1: 3 of 1,613,910 alleles (0.00019%); highest among the groups gnomAD compares: Admixed American, 0.0017%; no homozygotes.

Submission:

Labcorp Genetics (formerly Invitae), Labcorp
Classification: Uncertain significance for Hypertrophic cardiomyopathy. Last evaluated: 2023-10-03. Review status: criteria provided, single submitter. Criteria: Invitae Variant Classification Sherloc (09022015). Collection method: clinical testing. Allele origin: germline.
Comment: This sequence change replaces glutamic acid, which is acidic and polar, with glycine, which is neutral and non-polar, at codon 1228 of the MYOM1 protein (p.Glu1228Gly). This variant is present in population databases (no rsID available, gnomAD 0.003%). This variant has not been reported in the literature in individuals affected with MYOM1-related conditions. ClinVar contains an entry for this variant (Variation ID: 1949447). An algorithm developed to predict the effect of missense changes on protein structure and function (PolyPhen-2) suggests that this variant is likely to be tolerated. In summary, the available evidence is currently insufficient to determine the role of this variant in disease. Therefore, it has been classified as a Variant of Uncertain Significance.

NM_003803.4(MYOM1):c.3683A>G (p.Glu1228Gly)

Gene: MYOM1 (myomesin 1; minus strand). Cytogenetic location: 18p11.31.
Variant type: single nucleotide variant.
Coding change: c.3683A>G on transcript NM_003803.4 (MANE Select); coding-DNA position 3683, A replaced by G.
Protein change: p.Glu1228Gly; replaces glutamic acid 1228 with glycine.
Molecular consequence: missense variant.
Genome position (GRCh38, 1-based): chr18:3,100,203, T>C on the plus strand (A>G on the coding strand, the complement: MYOM1 is on the minus strand). VCF-style: chr18-3100203-T-C. GRCh37 (hg19) VCF-style: chr18-3100201-T-C.
Other names: c.3395A>G, p.Glu1132Gly (NM_019856.2); short protein forms E1228G, E1132G.
Identifiers: ClinVar variation 1949447 (VCV001949447.5), dbSNP rs1348019580, ClinGen allele CA401701757.
Genomic context (GRCh38, chr18:3,100,203, plus strand): 5'-TATTGTGGATACTTACTTGGGAACTTGTGTTCATGGCTGAGAGCAAGTAAACGTTTCAAT[T>C]CTGTAGGGGGAAAAAGAAGGCAGTTAAACCTTAAACTACTAAAATAAAAGTCACTTAAGA-3'
Protein context (NP_003794.3, residues 1218-1238): IASSYLIDEE[Glu1228Gly]LKRLLALSHE